The following is an entry in ClinVar:

GRCh37/hg19 6p25.3-25.2(chr6:149619-3951208)x3

Genes: BPHL (biphenyl hydrolase like; plus strand), DUSP22 (dual specificity phosphatase 22; plus strand), EXOC2 (exocyst complex component 2; minus strand), FAM50B (family with sequence similarity 50 member B; plus strand), FOXC1 (forkhead box C1; plus strand) and 18 more. Cytogenetic location: 6p25.3-25.2.
Variant type: copy number gain.
Change: copy number 3 (three copies instead of two) of chr6:149,619-3,951,208 (3.80 Mb, GRCh37 coordinates, 1-based), cytogenetic band 6p25.3-25.2.
Identifiers: ClinVar variation 1180550 (VCV001180550.4).

ClinVar aggregate classification (germline): Pathogenic (1 of 4 stars; one submission).

Submission:

Illumina Laboratory Services, Illumina
Classification: Pathogenic. Last evaluated: 2019-02-01. Review status: criteria provided, single submitter. Criteria: ICSL CNVClassificationCriteria Jul2020Prior. Collection method: clinical testing. Allele origin: unknown.
Comment: This CNV is a 3.8 Mb duplication of p25.3-p25.2 on chromosome 6, (seq[GRCh37]dup(6)(p25.3p25.2); chr6:g.149619_3951208dup), and was found in a de novo state. The CNV constitutes a gain encompassing 49 genes. Duplications of this size are rare in this region. One Italian family with a diagnosis of brachydactyly type E has been described with four affected female family members with variable phenotypes that include brachydactyly, clinodactyly, facial dysmorphism, and prenatal growth restriction (Fontana et al. 2017). Although not published in the literature, smaller CNVs have been described in DECIPHER with additional phenotypes including atrioventricular canal defect, brachydactyly, broad thumb, clinodactyly of the 5th finger, craniosynostosis, dental malocclusion, frontal bossing, patent ductus arteriosus, sensorineural hearing impairment, ventricular septal defect. CNVs of similar size and location have not been reported in controls. Based on the evidence from the family with a similar duplication (Fontana et al. 2017) and the reported pathogenic smaller CNVs contained within this deletion, this CNV is classified as pathogenic.

Literature cited by the submitters: PubMed 28111183.